The following is an entry in ClinVar:

NM_014633.5(CTR9):c.2045A>G (p.Asp682Gly)

Gene: CTR9 (CTR9 homolog, Paf1/RNA polymerase II complex component; plus strand). Cytogenetic location: 11p15.4.
Variant type: single nucleotide variant.
Coding change: c.2045A>G on transcript NM_014633.5 (MANE Select); coding-DNA position 2045, A replaced by G.
Protein change: p.Asp682Gly; replaces aspartic acid 682 with glycine.
Molecular consequence: missense variant.
Genome position (GRCh38, 1-based): chr11:10,768,427, A>G. VCF-style: chr11-10768427-A-G. GRCh37 (hg19) VCF-style: chr11-10789974-A-G.
Other names: c.2045A>G, p.Asp682Gly (NM_001346279.2); short protein forms D682G.
Identifiers: ClinVar variation 2499340 (VCV002499340.1), dbSNP rs2539385015, ClinGen allele CA379674246.

ClinVar aggregate classification (germline): Uncertain significance (1 of 4 stars; one submission).

Submission:

GeneDx
Classification: Uncertain significance. Last evaluated: 2022-10-11. Review status: criteria provided, single submitter. Criteria: GeneDx Variant Classification Process June 2021. Collection method: clinical testing. Allele origin: germline. Affected: yes.
Comment: Not observed at significant frequency in large population cohorts (gnomAD); In silico analysis supports that this missense variant has a deleterious effect on protein structure/function; Has not been previously published as pathogenic or benign to our knowledge